The following is an entry in ClinVar:

ClinVar aggregate classification (germline): Uncertain significance (1 of 4 stars; one submission).

Allele frequency attached by ClinVar (database versions not stated): gnomAD 0.00001; TOPMed 0.00002.

Submission:

Labcorp Genetics (formerly Invitae), Labcorp
Classification: Uncertain significance. Last evaluated: 2021-08-15. Review status: criteria provided, single submitter. Criteria: Invitae Variant Classification Sherloc (09022015). Collection method: clinical testing. Allele origin: germline.
Comment: This sequence change replaces alanine with valine at codon 44 of the NSMCE3 protein (p.Ala44Val). The alanine residue is weakly conserved and there is a small physicochemical difference between alanine and valine. The frequency data for this variant in the population databases is considered unreliable, as metrics indicate insufficient coverage at this position in the ExAC database. This variant has not been reported in the literature in individuals affected with NSMCE3-related conditions. Algorithms developed to predict the effect of missense changes on protein structure and function are either unavailable or do not agree on the potential impact of this missense change (SIFT: "Deleterious"; PolyPhen-2: "Benign"; Align-GVGD: "Class C0"). In summary, the available evidence is currently insufficient to determine the role of this variant in disease. Therefore, it has been classified as a Variant of Uncertain Significance.

NM_138704.4(NSMCE3):c.131C>T (p.Ala44Val)

Genes: ENTREP2 (endosomal transmembrane epsin interactor 2; minus strand), NSMCE3 (NSE3 homolog, SMC5-SMC6 complex component; minus strand). Cytogenetic location: 15q13.1.
Variant type: single nucleotide variant.
Coding change: c.131C>T on transcript NM_138704.4 (MANE Select); coding-DNA position 131, C replaced by T.
Protein change: p.Ala44Val; replaces alanine 44 with valine.
Molecular consequence: missense variant. On other transcripts: intron variant (5).
Genome position (GRCh38, 1-based): chr15:29,269,575, G>A on the plus strand (C>T on the coding strand, the complement: NSMCE3 is on the minus strand). VCF-style: chr15-29269575-G-A. GRCh37 (hg19) VCF-style: chr15-29561779-G-A.
Other names: c.-12-17097C>T (NM_001387217.1, NM_001387215.1, NM_001387216.1); c.277-17097C>T (NM_001387214.1, NM_015307.2); short protein forms A44V.
Identifiers: ClinVar variation 1365390 (VCV001365390.3), dbSNP rs897136249, ClinGen allele CA268359580.